The following is an entry in ClinVar:

ClinVar aggregate classification (germline): Pathogenic (1 of 4 stars; one submission).

Conditions:
Hypogonadotropic hypogonadism 1 with or without anosmia (HH1). Also called: Kallmann syndrome, type 1, X-linked; DYSPLASIA OLFACTOGENITALIS OF DE MORSIER; HYPOGONADOTROPIC HYPOGONADISM 1 WITH ANOSMIA; KAL1-Related GnRH Deficiency (Kallmann Syndrome 1; Kallmann Syndrome, X-Linked); Hypogonadotropic hypogonadism 1 with or without anosmia (Kallmann syndrome 1); HYPOGONADOTROPIC HYPOGONADISM AND ANOSMIA. Identifiers: Orphanet 478, MedGen C1563719, MONDO:0010635, OMIM 308700. Disease mechanism: loss of function.

Submission:

Women's Health and Genetics/Laboratory Corporation of America, LabCorp
Classification: Pathogenic for Hypogonadotropic hypogonadism 1 with or without anosmia. Last evaluated: 2025-10-23. Review status: criteria provided, single submitter. Criteria: LabCorp Variant Classification Summary - May 2015. Collection method: clinical testing. Allele origin: germline.
Comment: Variant summary: The variant involves the deletion of exons 1-14 in the ANOS1 gene. A presumed nomenclature of c.(?_-102)_(*4122_?)del has been designated for the purposes of this classification. This deletion includes the entire coding sequence of the gene. As the exact proximal and distal breakpoints are unknown, it may extend beyond the annotated region of the gene to include other flanking genes. Loss-of-function variants in this gene are known to be pathogenic. The variant was absent in 16119 chromosomes in gnomAD. A similar CNV deletion has been observed in individual(s) affected with Hypogonadotropic Hypogonadism 1 With Or Without Anosmia (Pedersen-White_2008). The following publication has been ascertained in the context of this evaluation (PMID: 18463157). ClinVar contains an entry for this variant (Variation ID: 2422590). Based on the evidence outlined above, the variant was classified as pathogenic.

Literature cited by the submitters: PubMed 18463157.

NC_000023.10:g.(?_8496914)_(8700179_?)del

Gene: ANOS1 (anosmin 1; minus strand). Cytogenetic location: Xp22.31.
Variant type: Deletion.
Identifiers: ClinVar variation 4687820 (VCV004687820.1).